The following is an entry in ClinVar:

ClinVar aggregate classification (germline): Uncertain significance (0 of 4 stars; one submission).

Conditions:
UCP3-related disorder. Also called: UCP3-related condition.

gnomAD v4.1: 65 of 1,614,060 alleles (0.004%); highest among the groups gnomAD compares: Non-Finnish European, 0.0048%; no homozygotes.

Submission:

PreventionGenetics, part of Exact Sciences
Classification: Uncertain significance for UCP3-related condition. Last evaluated: 2024-05-30. Review status: no assertion criteria provided. Collection method: clinical testing. Allele origin: germline.
Comment: The UCP3 c.370T>A variant is predicted to result in the amino acid substitution p.Cys124Ser. To our knowledge, this variant has not been reported in the literature. This variant is reported in 0.0031% of alleles in individuals of European (Non-Finnish) descent in gnomAD. At this time, the clinical significance of this variant is uncertain due to the absence of conclusive functional and genetic evidence.

NM_003356.4(UCP3):c.370T>A (p.Cys124Ser)

Gene: UCP3 (uncoupling protein 3; minus strand). Cytogenetic location: 11q13.4.
Variant type: single nucleotide variant.
Coding change: c.370T>A on transcript NM_003356.4 (MANE Select); coding-DNA position 370, T replaced by A.
Protein change: p.Cys124Ser; replaces cysteine 124 with serine.
Molecular consequence: missense variant.
Genome position (GRCh38, 1-based): chr11:74,005,901, A>T on the plus strand (T>A on the coding strand, the complement: UCP3 is on the minus strand). VCF-style: chr11-74005901-A-T. GRCh37 (hg19) VCF-style: chr11-73716946-A-T.
Other names: c.370T>A, p.Cys124Ser (NM_022803.3); short protein forms C124S.
Identifiers: ClinVar variation 3352836 (VCV003352836.1).
Genomic context (GRCh38, chr11:74,005,901, plus strand): 5'-ATCGGACCTTCACCACATCTGTGGGCTGGGCACAGGTCACCGCCATGGCTCCTGTGGTGC[A>T]GCCGGCCAAAATCCGGGTAGTGAGGCTGGAGTCTGGGAGGGGCAGAGAGAGTGGGCCAGT-3'
Protein context (NP_003347.1, residues 114-134): SSLTTRILAG[Cys124Ser]TTGAMAVTCA